The following is an entry in ClinVar:

NM_000268.4(NF2):c.851A>C (p.Lys284Thr)

Gene: NF2 (NF2, moesin-ezrin-radixin like (MERLIN) tumor suppressor; plus strand). Cytogenetic location: 22q12.2.
Variant type: single nucleotide variant.
Coding change: c.851A>C on transcript NM_000268.4 (MANE Select); coding-DNA position 851, A replaced by C.
Protein change: p.Lys284Thr; replaces lysine 284 with threonine.
Molecular consequence: missense variant. On other transcripts: non-coding transcript variant (1), intron variant (1).
Genome position (GRCh38, 1-based): chr22:29,665,030, A>C. VCF-style: chr22-29665030-A-C. GRCh37 (hg19) VCF-style: chr22-30061019-A-C.
Other names: c.737A>C, p.Lys246Thr (NM_001407053.1, NM_001407056.1); c.728A>C, p.Lys243Thr (NM_001407054.1, NM_001407058.1, NM_181829.3); c.725A>C, p.Lys242Thr (NM_001407055.1, NM_181828.3); c.716A>C, p.Lys239Thr (NM_001407057.1, NM_001407059.1); c.851A>C, p.Lys284Thr (NM_001407060.1, NM_001407066.1, NM_016418.5 and 2 more transcripts); c.593A>C, p.Lys198Thr (NM_001407062.1); c.602A>C, p.Lys201Thr (NM_001407063.1, NM_001407064.1, NM_181830.3 and 1 more transcripts); c.317A>C, p.Lys106Thr (NM_001407065.1); and 2 more; short protein forms K106T, K201T, K243T, K198T, K207T, K242T, K246T, K284T.
Identifiers: ClinVar variation 2807634 (VCV002807634.3), dbSNP rs764034925, ClinGen allele CA411144656.
Genomic context (GRCh38, chr22:29,665,030, plus strand): 5'-GTTCTGCTTCATTCTTCCAGTTTACTATTAAACCACTGGATAAGAAAATTGATGTCTTCA[A>C]GTTTAACTCCTCAAAGCTTCGTGTTAATAAGCTGGTAAGTTGAGATCCTGGTTTTCATTA-3'
Protein context (NP_000259.1, residues 274-294): KPLDKKIDVF[Lys284Thr]FNSSKLRVNK

ClinVar aggregate classification (germline): Uncertain significance (1 of 4 stars; one submission).

Conditions:
Neurofibromatosis, type 2 (SWNV). Also called: BILATERAL ACOUSTIC NEUROFIBROMATOSIS; NF2-Related Schwannomatosis; SCHWANNOMATOSIS, VESTIBULAR. Identifiers: Orphanet 637, MedGen C0027832, MONDO:0007039, OMIM 101000. Disease mechanism: loss of function.

Submission:

Labcorp Genetics (formerly Invitae), Labcorp
Classification: Uncertain significance for Neurofibromatosis, type 2. Last evaluated: 2024-01-25. Review status: criteria provided, single submitter. Criteria: Invitae Variant Classification Sherloc (09022015). Collection method: clinical testing. Allele origin: germline.
Comment: This sequence change replaces lysine, which is basic and polar, with threonine, which is neutral and polar, at codon 284 of the NF2 protein (p.Lys284Thr). This variant is not present in population databases (gnomAD no frequency). This variant has not been reported in the literature in individuals affected with NF2-related conditions. Advanced modeling of protein sequence and biophysical properties (such as structural, functional, and spatial information, amino acid conservation, physicochemical variation, residue mobility, and thermodynamic stability) performed at Invitae indicates that this missense variant is not expected to disrupt NF2 protein function with a negative predictive value of 80%. In summary, the available evidence is currently insufficient to determine the role of this variant in disease. Therefore, it has been classified as a Variant of Uncertain Significance.